The following is an entry in ClinVar:

NM_022095.4(ZNF335):c.3384T>C (p.Pro1128=)

Gene: ZNF335 (zinc finger protein 335; minus strand). Cytogenetic location: 20q13.12.
Variant type: single nucleotide variant.
Coding change: c.3384T>C on transcript NM_022095.4 (MANE Select); coding-DNA position 3384, T replaced by C.
Protein change: p.Pro1128=; no amino-acid change (proline 1128 retained).
Molecular consequence: synonymous variant.
Genome position (GRCh38, 1-based): chr20:45,950,322, A>G on the plus strand (T>C on the coding strand, the complement: ZNF335 is on the minus strand). VCF-style: chr20-45950322-A-G. GRCh37 (hg19) VCF-style: chr20-44578961-A-G.
Identifiers: ClinVar variation 130803 (VCV000130803.19), dbSNP rs3746503, ClinGen allele CA156094.
Genomic context (GRCh38, chr20:45,950,322, plus strand): 5'-GGTCTGGGTTGGGGTCTGGGTAGGGGCCCGGGCTGTAGGGGTTCCTGACTTCCTCCCATC[A>G]GGACTGTGCAGCCGCTGGATGTGGAACTTGAGGTGCCCGTTACGGTTGAAACTGAGGGGG-3'
Protein context (NP_071378.1, residues 1118-1138): LKFHIQRLHS[Pro1128=]DGRKSGTPTA

ClinVar aggregate classification (germline): Benign. Review status: criteria provided, multiple submitters, no conflicts (2 of 4 stars). 5 submissions from 5 submitters: Benign (4). 1 of the submissions does not count toward it. Last evaluated 2026-02-02.

Conditions:
Microcephalic primordial dwarfism due to ZNF335 deficiency. Also called: Primary autosomal recessive microcephaly 10. Identifiers: Orphanet 329228, MedGen C3554499, MONDO:0014043, OMIM 615095.

Allele frequency attached by ClinVar (database versions not stated): ESP Exome Variant Server 0.09234; TOPMed 0.09869; 1000 Genomes Project 0.15635; gnomAD 0.10253 and 0.09613; gnomAD exomes 0.12768; ExAC 0.12798; 1000 Genomes Project 30x 0.14913.
gnomAD v4.1: 184,737 of 1,577,328 alleles (12%); highest among the groups gnomAD compares: East Asian, 33%; 12,528 homozygotes.

Submissions (5):

Labcorp Genetics (formerly Invitae), Labcorp
Classification: Benign. Last evaluated: 2026-02-02. Review status: criteria provided, single submitter. Criteria: Invitae Variant Classification Sherloc (09022015). Collection method: clinical testing. Allele origin: germline.

Genome-Nilou Lab
Classification: Benign for Microcephalic primordial dwarfism due to ZNF335 deficiency. Last evaluated: 2021-12-05. Review status: criteria provided, single submitter. Criteria: ACMG Guidelines, 2015. Collection method: clinical testing. Allele origin: germline. Affected: no.

GeneDx
Classification: Benign. Last evaluated: 2018-08-07. Review status: criteria provided, single submitter. Criteria: GeneDx Variant Classification Process June 2021. Collection method: clinical testing. Allele origin: germline. Affected: yes.

Breakthrough Genomics
Classification: Benign. Review status: criteria provided, single submitter. Criteria: ACMG Guidelines, 2015. Collection method: not provided. Allele origin: germline. Inheritance: Autosomal recessive inheritance. Affected: yes.

Genetic Services Laboratory, University of Chicago
Classification: Likely benign for AllHighlyPenetrant. Review status: no assertion criteria provided. Collection method: clinical testing. Allele origin: germline. Inheritance: Autosomal recessive inheritance. Not counted in ClinVar's aggregate classification.
Comment: Likely benign based on allele frequency in 1000 Genomes Project or ESP global frequency and its presence in a patient with a rare or unrelated disease phenotype. NOT Sanger confirmed.